The following is an entry in ClinVar:

NM_015702.3(MMADHC):c.544dup (p.Thr182fs)

Gene: MMADHC (metabolism of cobalamin associated D; minus strand). Cytogenetic location: 2q23.2.
Variant type: Duplication.
Coding change: c.544dup on transcript NM_015702.3 (MANE Select); coding-DNA position 544, one base duplicated (A; older notation c.544dupA).
Protein change: p.Thr182fs; shifts the reading frame from threonine 182.
Molecular consequence: frameshift variant.
Genome position (GRCh38, 1-based): chr2:149,575,776, T duplicated on the plus strand (A on the coding strand, the reverse complement: MMADHC is on the minus strand); the first of 6 consecutive T bases (chr2:149,575,776-149,575,781); duplicating any one gives the same sequence. VCF-style (leftmost placement, unchanged base first): chr2-149575775-G-GT. GRCh37 (hg19) VCF-style: chr2-150432289-G-GT.
Other names: c.544dupA (NM_015702.2); short protein forms T182fs.
Identifiers: ClinVar variation 837579 (VCV000837579.8), dbSNP rs1308639482, ClinGen allele CA536935972.
Genomic context (GRCh38, chr2:149,575,775, plus strand): 5'-TCTAAGAGCACTTCTCTTTCAATTTCTACTTCTTCACTCCAAACAGTCATATCATTCTTA[G>GT]TTTTTTGTGTTACAGTCAGAATCATTAGTTTGCCATTAGCTACTTCTGGAAACAGTGATT-3'

ClinVar aggregate classification (germline): Pathogenic/Likely pathogenic. Review status: criteria provided, multiple submitters, no conflicts (2 of 4 stars). 2 submissions from 2 submitters: Pathogenic (1); Likely pathogenic (1). Last evaluated 2025-09-23.

Conditions:
Methylmalonic aciduria and homocystinuria type cblD (MAHCD). Also called: METHYLMALONIC ACIDEMIA, cblH TYPE; Methylmalonic aciduria with homocystinuria cblD type. Identifiers: Orphanet 622, Orphanet 79283, MedGen C1848552, MONDO:0010185, OMIM 277410.

Submissions (2):

Natera, Inc.
Classification: Likely pathogenic for Methylmalonic aciduria with homocystinuria cblD type. Last evaluated: 2025-09-23. Review status: criteria provided, single submitter. Criteria: Natera Variant Classification Schema (03/2026). Collection method: clinical testing. Allele origin: germline.
Comment: The c.544dupA variant in MMADHC is a frameshift variant predicted to shift the reading frame beginning at codon 182 and leads to a stop codon 2 codons downstream. This variant is expected to result in nonsense mediated decay, truncation, or a dysfunctional protein product. This variant is rare in the general population with a frequency below the threshold expected for the associated phenotype(s). Given the available evidence, this variant is classified as Likely Pathogenic.

Labcorp Genetics (formerly Invitae), Labcorp
Classification: Pathogenic for Methylmalonic aciduria and homocystinuria type cblD. Last evaluated: 2023-12-11. Review status: criteria provided, single submitter. Criteria: Invitae Variant Classification Sherloc (09022015). Collection method: clinical testing. Allele origin: germline.
Comment: This sequence change creates a premature translational stop signal (p.Thr182Asnfs*2) in the MMADHC gene. It is expected to result in an absent or disrupted protein product. Loss-of-function variants in MMADHC are known to be pathogenic (PMID: 18385497). This variant is present in population databases (no rsID available, gnomAD 0.003%). This variant has not been reported in the literature in individuals affected with MMADHC-related conditions. ClinVar contains an entry for this variant (Variation ID: 837579). Algorithms developed to predict the effect of sequence changes on RNA splicing suggest that this variant may disrupt the consensus splice site. For these reasons, this variant has been classified as Pathogenic.

Literature cited by the submitters: PubMed 18385497 (cited by Labcorp Genetics (formerly Invitae), Labcorp).